The following is an entry in ClinVar:

NM_024422.6(DSC2):c.271_272insCAAT (p.Lys91fs)

Gene: DSC2 (desmocollin 2; minus strand). Cytogenetic location: 18q12.1.
Variant type: Insertion.
Coding change: c.271_272insCAAT on transcript NM_024422.6 (MANE Select); coding-DNA positions 271 to 272, CAAT inserted.
Protein change: p.Lys91fs; shifts the reading frame from lysine 91.
Molecular consequence: frameshift variant. On other transcripts: 5 prime UTR variant (2).
Genome position: GRCh38 VCF-style: chr18-31092183-T-TATTG. GRCh37 (hg19) VCF-style: chr18-28672146-T-TATTG.
Other names: c.-159_-158insCAAT (NM_001406506.1, NM_001406507.1); c.271_272insCAAT, p.Lys91fs (NM_004949.5); short protein forms K91fs.
Identifiers: ClinVar variation 3227845 (VCV003227845.1), dbSNP rs2510956114, ClinGen allele CA2825002676.

ClinVar aggregate classification (germline): Pathogenic (1 of 4 stars; one submission).

Conditions:
Cardiovascular phenotype. Identifiers: MedGen CN230736.

Submission:

Ambry Genetics
Classification: Pathogenic for Cardiovascular phenotype. Last evaluated: 2023-11-27. Review status: criteria provided, single submitter. Criteria: Ambry Variant Classification Scheme 2023. Collection method: clinical testing. Allele origin: germline.
Comment: The c.271_272insCAAT pathogenic mutation, located in coding exon 3 of the DSC2 gene, results from an insertion of 4 nucleotides at position 271, causing a translational frameshift with a predicted alternate stop codon (p.K91Tfs*13). This variant is considered to be rare based on population cohorts in the Genome Aggregation Database (gnomAD). This alteration is expected to result in loss of function by premature protein truncation or nonsense-mediated mRNA decay. As such, this alteration is interpreted as a disease-causing mutation.